The following is an entry in ClinVar:

NM_002941.4(ROBO1):c.301T>A (p.Trp101Arg)

Gene: ROBO1 (roundabout guidance receptor 1; minus strand). Cytogenetic location: 3p12.3.
Variant type: single nucleotide variant.
Coding change: c.301T>A on transcript NM_002941.4 (MANE Select); coding-DNA position 301, T replaced by A.
Protein change: p.Trp101Arg; replaces tryptophan 101 with arginine.
Molecular consequence: missense variant.
Genome position (GRCh38, 1-based): chr3:78,938,799, A>T on the plus strand (T>A on the coding strand, the complement: ROBO1 is on the minus strand). VCF-style: chr3-78938799-A-T. GRCh37 (hg19) VCF-style: chr3-78987949-A-T.
Other names: c.184T>A, p.Trp62Arg (NM_001145845.2, NM_133631.4); short protein forms W62R, W101R.
Identifiers: ClinVar variation 1462249 (VCV001462249.8), dbSNP rs2107686329, ClinGen allele CA353681961.

ClinVar aggregate classification (germline): Uncertain significance (1 of 4 stars; one submission).

Submission:

Labcorp Genetics (formerly Invitae), Labcorp
Classification: Uncertain significance. Last evaluated: 2022-12-06. Review status: criteria provided, single submitter. Criteria: Invitae Variant Classification Sherloc (09022015). Collection method: clinical testing. Allele origin: germline.
Comment: In summary, the available evidence is currently insufficient to determine the role of this variant in disease. Therefore, it has been classified as a Variant of Uncertain Significance. This sequence change replaces tryptophan, which is neutral and slightly polar, with arginine, which is basic and polar, at codon 101 of the ROBO1 protein (p.Trp101Arg). This variant is not present in population databases (gnomAD no frequency). This variant has not been reported in the literature in individuals affected with ROBO1-related conditions. ClinVar contains an entry for this variant (Variation ID: 1462249). Advanced modeling of protein sequence and biophysical properties (such as structural, functional, and spatial information, amino acid conservation, physicochemical variation, residue mobility, and thermodynamic stability) performed at Invitae indicates that this missense variant is expected to disrupt ROBO1 protein function. Algorithms developed to predict the effect of sequence changes on RNA splicing suggest that this variant may create or strengthen a splice site.